The following is an entry in ClinVar:

ClinVar aggregate classification (germline): Uncertain significance (1 of 4 stars; one submission).

Submission:

Labcorp Genetics (formerly Invitae), Labcorp
Classification: Uncertain significance. Last evaluated: 2023-04-07. Review status: criteria provided, single submitter. Criteria: Invitae Variant Classification Sherloc (09022015). Collection method: clinical testing. Allele origin: germline.
Comment: In summary, the available evidence is currently insufficient to determine the role of this variant in disease. Therefore, it has been classified as a Variant of Uncertain Significance. This variant has not been reported in the literature in individuals affected with SCP2-related conditions. This variant is not present in population databases (gnomAD no frequency). This sequence change results in a frameshift in the SCP2 gene (p.Gln536Lysfs*39). While this is not anticipated to result in nonsense mediated decay, it is expected to disrupt the last 12 amino acid(s) of the SCP2 protein and extend the protein by 26 additional amino acid residues.

NM_002979.5(SCP2):c.1606del (p.Gln536fs)

Gene: SCP2 (sterol carrier protein 2; plus strand). Cytogenetic location: 1p32.3.
Variant type: Deletion.
Coding change: c.1606del on transcript NM_002979.5 (MANE Select); coding-DNA position 1606, one base deleted (C; older notation c.1606delC).
Protein change: p.Gln536fs; shifts the reading frame from glutamine 536.
Molecular consequence: frameshift variant. On other transcripts: 3 prime UTR variant (1).
Genome position (GRCh38, 1-based): chr1:53,050,666, C deleted. VCF-style (leftmost placement, unchanged base first): chr1-53050665-AC-A. GRCh37 (hg19) VCF-style: chr1-53516337-AC-A.
Other names: c.394del, p.Gln132fs (NM_001007099.3); c.385del, p.Gln129fs (NM_001007100.3); c.*84del (NM_001007250.3); c.1534del, p.Gln512fs (NM_001193599.2); c.1474del, p.Gln492fs (NM_001193600.2); c.1363del, p.Gln455fs (NM_001193617.2); short protein forms Q455fs, Q129fs, Q512fs, Q536fs, Q492fs, Q132fs.
Identifiers: ClinVar variation 2853344 (VCV002853344.3), dbSNP rs2525096938, ClinGen allele CA2739272565.
Genomic context (GRCh38, chr1:53,050,665, plus strand): 5'-ACAGGCCTTCTTTCAAGGCAAATTGAAAATCACTGGCAACATGGGTCTCGCTATGAAGTT[AC>A]AAAATCTTCAGCTTCAGCCAGGCAACGCTAAGCTCTGAAGAACTCCCTTTGGCTACTTTT-3'